The following is an entry in ClinVar:

NM_130839.5(UBE3A):c.172C>T (p.Leu58Phe)

Genes: SNHG14 (small nucleolar RNA host gene 14; plus strand), UBE3A (ubiquitin protein ligase E3A; minus strand). Cytogenetic location: 15q11.2.
Variant type: single nucleotide variant.
Coding change: c.172C>T on transcript NM_130839.5 (MANE Select); coding-DNA position 172, C replaced by T.
Protein change: p.Leu58Phe; replaces leucine 58 with phenylalanine.
Molecular consequence: missense variant. On other transcripts: 5 prime UTR variant (1), non-coding transcript variant (1).
Genome position (GRCh38, 1-based): chr15:25,375,654, G>A on the plus strand (C>T on the coding strand, the complement: UBE3A is on the minus strand). VCF-style: chr15-25375654-G-A. GRCh37 (hg19) VCF-style: chr15-25620801-G-A.
Other names: c.181C>T, p.Leu61Phe (NM_000462.5); c.172C>T, p.Leu58Phe (NM_001354505.1, NM_001354538.2, NM_001354545.2 and 1 more transcripts); c.112C>T, p.Leu38Phe (NM_001354506.2, NM_001354507.2, NM_001354508.2 and 18 more transcripts); c.-6C>T (NM_001354546.2); short protein forms L38F, L58F, L61F.
Identifiers: ClinVar variation 937562 (VCV000937562.9), dbSNP rs2081082912, ClinGen allele CA391356472.

ClinVar aggregate classification (germline): Uncertain significance (1 of 4 stars; one submission).

Conditions:
Angelman syndrome (AS). Also called: HAPPY PUPPET SYNDROME. Identifiers: Orphanet 72, MedGen C0162635, MONDO:0007113, OMIM 105830. Disease mechanism: loss of function. Inheritance: AS is caused by disruption of maternally imprinted UBE3A located within the 15q11.2-q13 Angelman syndrome/Prader-Willi syndrome (AS/PWS) region., imprinting disorder.

gnomAD v4.1: 2 of 1,614,138 alleles (0.00012%); highest among the groups gnomAD compares: Admixed American, 0.0033%; no homozygotes.

Submission:

Labcorp Genetics (formerly Invitae), Labcorp
Classification: Uncertain significance for Angelman syndrome. Last evaluated: 2024-11-03. Review status: criteria provided, single submitter. Criteria: Invitae Variant Classification Sherloc (09022015). Collection method: clinical testing. Allele origin: germline.
Comment: This sequence change replaces leucine, which is neutral and non-polar, with phenylalanine, which is neutral and non-polar, at codon 38 of the UBE3A protein (p.Leu38Phe). This variant is not present in population databases (gnomAD no frequency). This missense change has been observed in individual(s) with clinical features of Angelman syndrome (internal data). ClinVar contains an entry for this variant (Variation ID: 937562). Invitae Evidence Modeling of protein sequence and biophysical properties (such as structural, functional, and spatial information, amino acid conservation, physicochemical variation, residue mobility, and thermodynamic stability) has been performed for this missense variant. However, the output from this modeling did not meet the statistical confidence thresholds required to predict the impact of this variant on UBE3A protein function. In summary, the available evidence is currently insufficient to determine the role of this variant in disease. Therefore, it has been classified as a Variant of Uncertain Significance.